The following is an entry in ClinVar:

NM_001159773.2(CANT1):c.671T>C (p.Leu224Pro)

Gene: CANT1 (calcium activated nucleotidase 1; minus strand). Cytogenetic location: 17q25.3.
Variant type: single nucleotide variant.
Coding change: c.671T>C on transcript NM_001159773.2 (MANE Select); coding-DNA position 671, T replaced by C.
Protein change: p.Leu224Pro; replaces leucine 224 with proline.
Molecular consequence: missense variant.
Genome position (GRCh38, 1-based): chr17:78,995,182, A>G on the plus strand (T>C on the coding strand, the complement: CANT1 is on the minus strand). VCF-style: chr17-78995182-A-G. GRCh37 (hg19) VCF-style: chr17-76991264-A-G.
Other names: c.671T>C (NM_138793.3); c.671T>C, p.Leu224Pro (NM_001159772.2, NM_138793.4); short protein forms L224P.
Identifiers: ClinVar variation 31016 (VCV000031016.5), dbSNP rs150181226, ClinGen allele CA129622.

ClinVar aggregate classification (germline): Conflicting classifications of pathogenicity. Review status: criteria provided, conflicting classifications (1 of 4 stars). 4 submissions from 4 submitters: Likely pathogenic (2); Uncertain significance (1). 1 of the submissions does not count toward it. Last evaluated 2026-09-21.

Conditions:
Fetal anomalies with a likely genetic cause.
Desbuquois dysplasia 1 (DBQD1). Also called: DESBUQUOIS DYSPLASIA 1, KIM VARIANT; MICROMELIC DWARFISM WITH VERTEBRAL AND METAPHYSEAL ABNORMALITIES AND ADVANCED CARPOTARSAL OSSIFICATION. Identifiers: Orphanet 1425, MedGen C4012146, MONDO:0009629, OMIM 251450.
Epiphyseal dysplasia, multiple, 7. Identifiers: Orphanet 647676, MedGen C4540251, MONDO:0054680, OMIM 617719.

Allele frequency attached by ClinVar (database versions not stated): gnomAD 0.00004 and 0.00003; ExAC 0.00001; ESP Exome Variant Server 0.00008; gnomAD exomes 0.00001; TOPMed 0.00003.
gnomAD v4.1: 26 of 1,613,676 alleles (0.0016%); highest among the groups gnomAD compares: Non-Finnish European, 0.002%; no homozygotes.

Submissions (4):

Genetics Laboratory, Great Ormond Street Hospital NHS Foundation Trust, North Thames Genomic Laboratory Hub
Classification: Likely pathogenic for Fetal anomalies with a likely genetic cause. Last evaluated: 2026-09-21. Review status: criteria provided, single submitter. Criteria: ACGS Best Practice Guidelines for Variant Classification in Rare Disease 2024 v1.2. Collection method: clinical testing. Allele origin: germline. Affected: yes.
Comment: PM2_moderate, PP3_supporting, PS3_supporting, PM3_moderate

GeneDx
Classification: Uncertain significance. Last evaluated: 2026-03-26. Review status: criteria provided, single submitter. Criteria: GeneDx Variant Classification Process June 2021. Collection method: clinical testing. Allele origin: germline.
Comment: In silico analysis supports that this missense variant has a deleterious effect on protein structure/function; This variant is associated with the following publications: (PMID: 21037275, 20358610)

Fulgent Genetics
Classification: Likely pathogenic for Desbuquois dysplasia 1; Epiphyseal dysplasia, multiple, 7. Last evaluated: 2024-02-06. Review status: criteria provided, single submitter. Criteria: ACMG Guidelines, 2015. Collection method: clinical testing. Allele origin: germline.

OMIM
Classification: Pathogenic for DESBUQUOIS DYSPLASIA 1. Last evaluated: 2011-01-01. Review status: no assertion criteria provided. Collection method: literature only. Allele origin: germline. Not counted in ClinVar's aggregate classification.

Literature cited by the submitters: PubMed 20358610 (cited by OMIM); PubMed 21037275 (cited by OMIM).